The following is an entry in ClinVar:

NM_001205293.3(CACNA1E):c.990C>T (p.Tyr330=)

Gene: CACNA1E (calcium voltage-gated channel subunit alpha1 E; plus strand). Cytogenetic location: 1q25.3.
Variant type: single nucleotide variant.
Coding change: c.990C>T on transcript NM_001205293.3 (MANE Select); coding-DNA position 990, C replaced by T.
Protein change: p.Tyr330=; no amino-acid change (tyrosine 330 retained).
Molecular consequence: synonymous variant.
Genome position (GRCh38, 1-based): chr1:181,651,376, C>T. VCF-style: chr1-181651376-C-T. GRCh37 (hg19) VCF-style: chr1-181620512-C-T.
Other names: c.990C>T, p.Tyr330= (NM_000721.4, NM_001205294.2).
Identifiers: ClinVar variation 4922414 (VCV004922414.2).
Genomic context (GRCh38, chr1:181,651,376, plus strand): 5'-GAACCATTTTTCTTTCTTTCAGACCAATGATGCCTTAGGAGCCACCTGGAATTGGCTGTA[C>T]TTCATCCCCCTCATCATCATTGGATCCTTCTTTGTTCTCAACCTAGTCCTGGGAGTGCTT-3'
Protein context (NP_001192222.1, residues 320-340): DALGATWNWL[Tyr330=]FIPLIIIGSF

ClinVar aggregate classification (germline): Likely benign. Review status: criteria provided, multiple submitters, no conflicts (2 of 4 stars). 2 submissions from 2 submitters: Likely benign (2). Last evaluated 2026-07-01.

Submissions (2):

CeGaT Center for Human Genetics Tuebingen
Classification: Likely benign. Last evaluated: 2026-07-01. Review status: criteria provided, single submitter. Criteria: CeGaT Center For Human Genetics Tuebingen Variant Classification Criteria Version 2. Collection method: clinical testing. Allele origin: germline. Affected: yes. Observed: 1 variant allele.
Comment: CACNA1E: PM2:Supporting, BP4, BP7

Blueprint Genetics
Classification: Likely benign. Last evaluated: 2020-05-12. Review status: criteria provided, single submitter. Criteria: ACMG Guidelines, 2015. Collection method: clinical testing. Allele origin: germline.